The following is an entry in ClinVar:

NM_024652.6(LRRK1):c.5768+4C>T

Genes: LRRK1-AS1 (LRRK1 antisense RNA 1; minus strand), LRRK1 (leucine rich repeat kinase 1; plus strand). Cytogenetic location: 15q26.3.
Variant type: single nucleotide variant.
Coding change: c.5768+4C>T on transcript NM_024652.6 (MANE Select); 4 bases into the intron after coding-DNA position 5768, C replaced by T.
Molecular consequence: intron variant.
Genome position (GRCh38, 1-based): chr15:101,066,209, C>T. VCF-style: chr15-101066209-C-T. GRCh37 (hg19) VCF-style: chr15-101606414-C-T.
Other names: c.5768+4C>T (NM_024652.5).
Identifiers: ClinVar variation 1583030 (VCV001583030.10), dbSNP rs185384942, ClinGen allele CA7762217.

ClinVar aggregate classification (germline): Likely benign. Review status: criteria provided, single submitter (1 of 4 stars). 2 submissions from 2 submitters: Likely benign (1). 1 of the submissions does not count toward it. Last evaluated 2025-12-08.

Conditions:
LRRK1-related disorder. Also called: LRRK1-related condition.

Allele frequency attached by ClinVar (database versions not stated): ESP Exome Variant Server 0.00024; gnomAD 0.00036; TOPMed 0.00038; 1000 Genomes Project 0.00200; 1000 Genomes Project 30x 0.00203.
gnomAD v4.1: 1,172 of 1,598,614 alleles (0.073%); highest among the groups gnomAD compares: South Asian, 0.49%; 4 homozygotes.

Submissions (2):

Labcorp Genetics (formerly Invitae), Labcorp
Classification: Likely benign. Last evaluated: 2025-12-08. Review status: criteria provided, single submitter. Criteria: Invitae Variant Classification Sherloc (09022015). Collection method: clinical testing. Allele origin: germline.

PreventionGenetics, part of Exact Sciences
Classification: Likely benign for LRRK1-related condition. Last evaluated: 2019-12-05. Review status: no assertion criteria provided. Collection method: clinical testing. Allele origin: germline. Not counted in ClinVar's aggregate classification.
Comment: This variant is classified as likely benign based on ACMG/AMP sequence variant interpretation guidelines (Richards et al. 2015 PMID: 25741868, with internal and published modifications).